The following is an entry in ClinVar:

NM_005101.4(ISG15):c.400C>A (p.Gln134Lys)

Gene: ISG15 (ISG15 ubiquitin like modifier; plus strand). Cytogenetic location: 1p36.33.
Variant type: single nucleotide variant.
Coding change: c.400C>A on transcript NM_005101.4 (MANE Select); coding-DNA position 400, C replaced by A.
Protein change: p.Gln134Lys; replaces glutamine 134 with lysine.
Molecular consequence: missense variant.
Genome position (GRCh38, 1-based): chr1:1,014,380, C>A. VCF-style: chr1-1014380-C-A. GRCh37 (hg19) VCF-style: chr1-949760-C-A.
Other names: short protein forms Q134K.
Identifiers: ClinVar variation 2041786 (VCV002041786.3), dbSNP rs1644251525, ClinGen allele CA337805623.
Genomic context (GRCh38, chr1:1,014,380, plus strand): 5'-CTGGAGGGTGTGCAGGACGACCTGTTCTGGCTGACCTTCGAGGGGAAGCCCCTGGAGGAC[C>A]AGCTCCCGCTGGGGGAGTACGGCCTCAAGCCCCTGAGCACCGTGTTCATGAATCTGCGCC-3'
Protein context (NP_005092.1, residues 124-144): LTFEGKPLED[Gln134Lys]LPLGEYGLKP

ClinVar aggregate classification (germline): Uncertain significance (1 of 4 stars; one submission).

Conditions:
Mendelian susceptibility to mycobacterial diseases due to complete ISG15 deficiency. Also called: IMMUNODEFICIENCY 38, MYCOBACTERIOSIS, AUTOSOMAL RECESSIVE; ISG15 DEFICIENCY, AUTOSOMAL RECESSIVE; Immunodeficiency 38 with basal ganglia calcification; Immunodeficiency 38. Identifiers: Orphanet 319563, MedGen C4015293, MONDO:0014502, OMIM 616126.

Allele frequency attached by ClinVar (database versions not stated): TOPMed below 0.00001.
gnomAD v4.1: 1 of 1,613,412 alleles (0.000062%); highest among the groups gnomAD compares: Non-Finnish European, 0.000085%; no homozygotes.

Submission:

Labcorp Genetics (formerly Invitae), Labcorp
Classification: Uncertain significance for Mendelian susceptibility to mycobacterial diseases due to complete ISG15 deficiency. Last evaluated: 2021-12-13. Review status: criteria provided, single submitter. Criteria: Invitae Variant Classification Sherloc (09022015). Collection method: clinical testing. Allele origin: germline.
Comment: In summary, the available evidence is currently insufficient to determine the role of this variant in disease. Therefore, it has been classified as a Variant of Uncertain Significance. Algorithms developed to predict the effect of missense changes on protein structure and function output the following: SIFT: "Tolerated"; PolyPhen-2: "Benign"; Align-GVGD: "Class C0". The lysine amino acid residue is found in multiple mammalian species, which suggests that this missense change does not adversely affect protein function. This variant has not been reported in the literature in individuals affected with ISG15-related conditions. This variant is not present in population databases (gnomAD no frequency). This sequence change replaces glutamine, which is neutral and polar, with lysine, which is basic and polar, at codon 134 of the ISG15 protein (p.Gln134Lys).